The following is an entry in ClinVar:

NM_001378452.1(ITPR1):c.5889C>T (p.Asp1963=)

Gene: ITPR1 (inositol 1,4,5-trisphosphate receptor type 1; plus strand). Cytogenetic location: 3p26.1.
Variant type: single nucleotide variant.
Coding change: c.5889C>T on transcript NM_001378452.1 (MANE Select); coding-DNA position 5889, C replaced by T.
Protein change: p.Asp1963=; no amino-acid change (aspartic acid 1963 retained).
Molecular consequence: synonymous variant.
Genome position (GRCh38, 1-based): chr3:4,768,674, C>T. VCF-style: chr3-4768674-C-T. GRCh37 (hg19) VCF-style: chr3-4810358-C-T.
Other names: c.5745C>T, p.Asp1915= (NM_001099952.4); c.5844C>T, p.Asp1948= (NM_001168272.2); c.5700C>T, p.Asp1900= (NM_002222.7).
Identifiers: ClinVar variation 736854 (VCV000736854.16), dbSNP rs377489220, ClinGen allele CA2232458.

ClinVar aggregate classification (germline): Benign/Likely benign. Review status: criteria provided, multiple submitters, no conflicts (2 of 4 stars). 6 submissions from 6 submitters: Benign (2); Likely benign (3). 1 of the submissions does not count toward it. Last evaluated 2026-01-19.

Conditions:
ITPR1-related disorder. Also called: ITPR1-related condition.

Allele frequency attached by ClinVar (database versions not stated): gnomAD exomes 0.00017 and 0.00033; ExAC 0.00037; 1000 Genomes Project 0.00120; gnomAD 0.00132 and 0.00140; TOPMed 0.00133; 1000 Genomes Project 30x 0.00156; ESP Exome Variant Server 0.00172.
gnomAD v4.1: 469 of 1,613,948 alleles (0.029%); highest among the groups gnomAD compares: African/African-American, 0.42%; 2 homozygotes.

Submissions (6):

Labcorp Genetics (formerly Invitae), Labcorp
Classification: Benign. Last evaluated: 2026-01-19. Review status: criteria provided, single submitter. Criteria: Invitae Variant Classification Sherloc (09022015). Collection method: clinical testing. Allele origin: germline.

Blueprint Genetics
Classification: Likely benign. Last evaluated: 2024-11-25. Review status: criteria provided, single submitter. Criteria: ACMG Guidelines, 2015. Collection method: clinical testing. Allele origin: germline.

Athena Diagnostics
Classification: Benign. Last evaluated: 2024-03-25. Review status: criteria provided, single submitter. Criteria: Athena Diagnostics Criteria. Collection method: clinical testing. Allele origin: unknown.

GeneDx
Classification: Likely benign. Last evaluated: 2021-02-26. Review status: criteria provided, single submitter. Criteria: GeneDx Variant Classification Process June 2021. Collection method: clinical testing. Allele origin: germline. Affected: yes.

Breakthrough Genomics
Classification: Likely benign. Review status: criteria provided, single submitter. Criteria: ACMG Guidelines, 2015. Collection method: not provided. Allele origin: germline. Inheritance: Autosomal dominant inheritance. Affected: yes.

PreventionGenetics, part of Exact Sciences
Classification: Likely benign for ITPR1-related condition. Last evaluated: 2019-11-26. Review status: no assertion criteria provided. Collection method: clinical testing. Allele origin: germline. Not counted in ClinVar's aggregate classification.
Comment: This variant is classified as likely benign based on ACMG/AMP sequence variant interpretation guidelines (Richards et al. 2015 PMID: 25741868, with internal and published modifications).